The following is an entry in ClinVar:

NM_002691.4(POLD1):c.2427C>A (p.Tyr809Ter)

Gene: POLD1 (DNA polymerase delta 1, catalytic subunit; plus strand). Cytogenetic location: 19q13.33.
Variant type: single nucleotide variant.
Coding change: c.2427C>A on transcript NM_002691.4 (MANE Select); coding-DNA position 2427, C replaced by A.
Protein change: p.Tyr809Ter; replaces tyrosine 809 with a stop codon.
Molecular consequence: nonsense. On other transcripts: non-coding transcript variant (1).
Genome position (GRCh38, 1-based): chr19:50,414,853, C>A. VCF-style: chr19-50414853-C-A. GRCh37 (hg19) VCF-style: chr19-50918110-C-A.
Other names: c.2427C>A, p.Tyr809Ter (NM_001256849.1); c.2505C>A, p.Tyr835Ter (NM_001308632.1); short protein forms Y809*, Y835*.
Identifiers: ClinVar variation 567116 (VCV000567116.13), dbSNP rs775317882, ClinGen allele CA406984670.

ClinVar aggregate classification (germline): Uncertain significance. Review status: criteria provided, multiple submitters, no conflicts (2 of 4 stars). 2 submissions from 2 submitters: Uncertain significance (2). Last evaluated 2021-04-18.

Conditions:
Hereditary cancer-predisposing syndrome. Also called: Tumor predisposition; Neoplastic Syndromes, Hereditary; Hereditary Cancer Syndrome; Hereditary neoplastic syndrome. Identifiers: Orphanet 140162, MedGen C0027672, MeSH D009386, MONDO:0015356.
POLD1-related polyposis and colorectal cancer syndrome (CRCS10). Also called: Colorectal cancer 10; COLORECTAL CANCER, SUSCEPTIBILITY TO, ON CHROMOSOME 19q; Colorectal cancer, susceptibility to, 10. Identifiers: Orphanet 220460, MedGen C2675481, MONDO:0012953, OMIM 612591.

gnomAD v4.1: 1 of 1,598,628 alleles (0.000063%); highest among the groups gnomAD compares: Non-Finnish European, 0.000085%; no homozygotes.

Submissions (2):

Labcorp Genetics (formerly Invitae), Labcorp
Classification: Uncertain significance for POLD1-related polyposis and colorectal cancer syndrome. Last evaluated: 2021-04-18. Review status: criteria provided, single submitter. Criteria: Invitae Variant Classification Sherloc (09022015). Collection method: clinical testing. Allele origin: germline.
Comment: Missense variants that disrupt the 3'-5' exonuclease (proof-reading) activity of the POLD1/POLE protein, while not abolishing its polymerase enzyme activity, are associated with an increased risk for colonic adenomatous polyps and colon cancer (PMID: 23263490, 23447401). Loss-of-function truncating variants, which result in an absent or severely disrupted POLD1/POLE protein, are therefore unlikely to be associated with disease. Without further clinical and genetic evidence, however, this variant has been classified as a Variant of Uncertain Significance. This variant has not been reported in the literature in individuals with POLD1-related disease. This variant is not present in population databases (ExAC no frequency). This sequence change creates a premature translational stop signal (p.Tyr809*) in the POLD1 gene. It is expected to result in an absent or disrupted protein product.

Ambry Genetics
Classification: Uncertain significance for Hereditary cancer-predisposing syndrome. Last evaluated: 2018-08-30. Review status: criteria provided, single submitter. Criteria: Ambry Variant Classification Scheme 2023. Collection method: clinical testing. Allele origin: germline.
Comment: The p.Y809* variant (also known as c.2427C>A), located in coding exon 19 of the POLD1 gene, results from a C to A substitution at nucleotide position 2427. This changes the amino acid from a tyrosine to a stop codon within coding exon 19. This alteration is expected to result in loss of function by premature protein truncation or nonsense-mediated mRNA decay. However, loss of function via haploinsufficiency in POLD1 has not been clearly established as a mechanism of disease. Since supporting evidence is limited at this time, the clinical significance of this alteration remains unclear.

Literature cited by the submitters: PubMed 23263490 (cited by Labcorp Genetics (formerly Invitae), Labcorp); PubMed 23447401 (cited by Labcorp Genetics (formerly Invitae), Labcorp).